The following is an entry in ClinVar:

ClinVar aggregate classification (germline): Uncertain significance. Review status: criteria provided, multiple submitters, no conflicts (2 of 4 stars). 2 submissions from 2 submitters: Uncertain significance (2). Last evaluated 2025-08-20.

Conditions:
Inborn genetic diseases. Identifiers: MedGen C0950123, MeSH D030342.

Allele frequency attached by ClinVar (database versions not stated): gnomAD 0.00001; TOPMed 0.00002.
gnomAD v4.1: 7 of 1,613,986 alleles (0.00043%); highest among the groups gnomAD compares: Non-Finnish European, 0.00059%; no homozygotes.

Submissions (2):

Ambry Genetics
Classification: Uncertain significance for Inborn genetic diseases. Last evaluated: 2025-08-20. Review status: criteria provided, single submitter. Criteria: Ambry Variant Classification Scheme 2023. Collection method: clinical testing. Allele origin: germline.

Labcorp Genetics (formerly Invitae), Labcorp
Classification: Uncertain significance. Last evaluated: 2022-03-13. Review status: criteria provided, single submitter. Criteria: Invitae Variant Classification Sherloc (09022015). Collection method: clinical testing. Allele origin: germline.
Comment: In summary, the available evidence is currently insufficient to determine the role of this variant in disease. Therefore, it has been classified as a Variant of Uncertain Significance. Algorithms developed to predict the effect of missense changes on protein structure and function (SIFT, PolyPhen-2, Align-GVGD) all suggest that this variant is likely to be tolerated. This variant has not been reported in the literature in individuals affected with PDP1-related conditions. This variant is not present in population databases (gnomAD no frequency). This sequence change replaces arginine, which is basic and polar, with threonine, which is neutral and polar, at codon 19 of the PDP1 protein (p.Arg19Thr).

NM_018444.4(PDP1):c.56G>C (p.Arg19Thr)

Gene: PDP1 (pyruvate dehydrogenase phosphatase catalytic subunit 1; plus strand). Cytogenetic location: 8q22.1.
Variant type: single nucleotide variant.
Coding change: c.56G>C on transcript NM_018444.4 (MANE Select); coding-DNA position 56, G replaced by C.
Protein change: p.Arg19Thr; replaces arginine 19 with threonine.
Molecular consequence: missense variant.
Genome position (GRCh38, 1-based): chr8:93,922,115, G>C. VCF-style: chr8-93922115-G-C. GRCh37 (hg19) VCF-style: chr8-94934343-G-C.
Other names: c.56G>C (NM_018444.3); c.131G>C, p.Arg44Thr (NM_001161779.2, NM_001161780.2); c.56G>C, p.Arg19Thr (NM_001161781.2); short protein forms R19T, R44T.
Identifiers: ClinVar variation 2071700 (VCV002071700.4), dbSNP rs754684543, ClinGen allele CA371690753.